The following is an entry in ClinVar:

ClinVar aggregate classification (germline): Conflicting classifications of pathogenicity. Review status: criteria provided, conflicting classifications (1 of 4 stars). 3 submissions from 3 submitters: Likely pathogenic (1); Uncertain significance (2). Last evaluated 2025-04-21.

Conditions:
Hereditary nonpolyposis colorectal neoplasms. Identifiers: MedGen C0009405, MeSH D003123.
Hereditary cancer-predisposing syndrome. Also called: Neoplastic Syndromes, Hereditary; Tumor predisposition; Hereditary Cancer Syndrome; Hereditary neoplastic syndrome. Identifiers: Orphanet 140162, MedGen C0027672, MeSH D009386, MONDO:0015356.
Lynch syndrome 5 (LYNCH5). Also called: Colorectal cancer, hereditary nonpolyposis, type 5; Hereditary non-polyposis colorectal cancer, type 5. Identifiers: Orphanet 144, MedGen C1833477, MONDO:0013710, OMIM 614350. Disease mechanism: loss of function.

Allele frequency attached by ClinVar (database versions not stated): gnomAD exomes below 0.00001.
gnomAD v4.1: 1 of 1,614,090 alleles (0.000062%); highest among the groups gnomAD compares: Non-Finnish European, 0.000085%; no homozygotes.

Submissions (3):

EVOGEN
Classification: Likely pathogenic for Lynch syndrome 5. Last evaluated: 2025-04-21. Review status: criteria provided, single submitter. Criteria: ACMG Guidelines, 2015. Collection method: clinical testing. Allele origin: germline. Affected: yes.
Comment: Serous neoplasm. PP3: AlphaMissense = 0.99 is between 0.956 and 0.994 ⇒ moderate pathogenic. PM2: Variant not found in gnomAD genomes, good gnomAD genomes coverage = 30.8. GnomAD exomes homozygous allele count = 0 is less than 2 for AD/AR gene MSH6, good gnomAD exomes coverage = 34.6. BP1: 253 out of 334 non-VUS missense variants in gene MSH6 are benign = 75.7% which is more than threshold of 56.9%. Data from ClinVar submitters: RCV002549421; RCV001015525

Labcorp Genetics (formerly Invitae), Labcorp
Classification: Uncertain significance for Hereditary nonpolyposis colorectal neoplasms. Last evaluated: 2022-11-17. Review status: criteria provided, single submitter. Criteria: Invitae Variant Classification Sherloc (09022015). Collection method: clinical testing. Allele origin: germline.
Comment: This variant has not been reported in the literature in individuals affected with MSH6-related conditions. In summary, the available evidence is currently insufficient to determine the role of this variant in disease. Therefore, it has been classified as a Variant of Uncertain Significance. Advanced modeling of protein sequence and biophysical properties (such as structural, functional, and spatial information, amino acid conservation, physicochemical variation, residue mobility, and thermodynamic stability) performed at Invitae indicates that this missense variant is expected to disrupt MSH6 protein function. ClinVar contains an entry for this variant (Variation ID: 821272). This variant is not present in population databases (gnomAD no frequency). This sequence change replaces leucine, which is neutral and non-polar, with proline, which is neutral and non-polar, at codon 812 of the MSH6 protein (p.Leu812Pro).

Ambry Genetics
Classification: Uncertain significance for Hereditary cancer-predisposing syndrome. Last evaluated: 2019-11-18. Review status: criteria provided, single submitter. Criteria: Ambry Variant Classification Scheme 2023. Collection method: clinical testing. Allele origin: germline.
Comment: The p.L812P variant (also known as c.2435T>C), located in coding exon 4 of the MSH6 gene, results from a T to C substitution at nucleotide position 2435. The leucine at codon 812 is replaced by proline, an amino acid with similar properties. This amino acid position is highly conserved in available vertebrate species. In addition, this alteration is predicted to be deleterious by in silico analysis. Since supporting evidence is limited at this time, the clinical significance of this alteration remains unclear.

NM_000179.3(MSH6):c.2435T>C (p.Leu812Pro)

Gene: MSH6 (mutS homolog 6; plus strand). Cytogenetic location: 2p16.3.
Variant type: single nucleotide variant.
Coding change: c.2435T>C on transcript NM_000179.3 (MANE Select); coding-DNA position 2435, T replaced by C.
Protein change: p.Leu812Pro; replaces leucine 812 with proline.
Molecular consequence: missense variant.
Genome position (GRCh38, 1-based): chr2:47,800,418, T>C. VCF-style: chr2-47800418-T-C. GRCh37 (hg19) VCF-style: chr2-48027557-T-C.
Other names: c.2045T>C, p.Leu682Pro (NM_001281492.2); c.1529T>C, p.Leu510Pro (NM_001281493.2, NM_001281494.2); short protein forms L812P, L510P, L682P.
Identifiers: ClinVar variation 821272 (VCV000821272.10), dbSNP rs1572727192, ClinGen allele CA346754038.
Genomic context (GRCh38, chr2:47,800,418, plus strand): 5'-TAGATGCCATAGAAGACCTCATGGTTGTGCCTGACAAAATCTCCGAAGTTGTAGAGCTTC[T>C]AAAGAAGCTTCCAGATCTTGAGAGGCTACTCAGTAAAATTCATAATGTTGGGTCTCCCCT-3'
Protein context (NP_000170.1, residues 802-822): PDKISEVVEL[Leu812Pro]KKLPDLERLL